The following is an entry in ClinVar:

ClinVar aggregate classification (germline): Likely pathogenic (1 of 4 stars; one submission).

Conditions:
Marfan syndrome (MFS). Also called: MARFAN SYNDROME, TYPE I; Marfan syndrome type 1; Marfan's syndrome; Marfan syndrome, classic; FBN1-Related Marfan Syndrome. Identifiers: Orphanet 284963, Orphanet 558, MedGen C0024796, MONDO:0007947, OMIM 154700.
Familial thoracic aortic aneurysm and aortic dissection (TAAD). Also called: Thoracic aortic aneurysms and dissections. Identifiers: Orphanet 91387, MedGen C4707243, MONDO:0019625.

Submission:

Labcorp Genetics (formerly Invitae), Labcorp
Classification: Likely pathogenic for Marfan syndrome; Familial thoracic aortic aneurysm and aortic dissection. Last evaluated: 2024-11-16. Review status: criteria provided, single submitter. Criteria: Invitae Variant Classification Sherloc (09022015). Collection method: clinical testing. Allele origin: germline.
Comment: This sequence change replaces cysteine, which is neutral and slightly polar, with tyrosine, which is neutral and polar, at codon 1610 of the FBN1 protein (p.Cys1610Tyr). This variant is not present in population databases (gnomAD no frequency). This missense change has been observed in individual(s) with Marfan syndrome (external communication). Invitae Evidence Modeling of protein sequence and biophysical properties (such as structural, functional, and spatial information, amino acid conservation, physicochemical variation, residue mobility, and thermodynamic stability) indicates that this missense variant is expected to disrupt FBN1 protein function with a positive predictive value of 95%. This variant affects a cysteine residue in the EGF-like, TGFBP or hybrid motif domains of FBN1. Cysteine residues are believed to be involved in intramolecular disulfide bridges and have been shown to be important for FBN1 protein structure (PMID: 16905551, 19349279). In addition, missense substitutions affecting cysteine residues within these domains are significantly overrepresented among patients with Marfan syndrome (PMID: 16571647, 17701892). This variant disrupts the p.Cys1610 amino acid residue in FBN1. Other variant(s) that disrupt this residue have been observed in individuals with FBN1-related conditions (PMID: 9338581), which suggests that this may be a clinically significant amino acid residue. In summary, the currently available evidence indicates that the variant is pathogenic, but additional data are needed to prove that conclusively. Therefore, this variant has been classified as Likely Pathogenic.

Literature cited by the submitters: PubMed 16905551; PubMed 19349279; PubMed 16571647; PubMed 17701892; PubMed 9338581.

NM_000138.5(FBN1):c.4829G>A (p.Cys1610Tyr)

Gene: FBN1 (fibrillin 1; minus strand). Cytogenetic location: 15q21.1.
Variant type: single nucleotide variant.
Coding change: c.4829G>A on transcript NM_000138.5 (MANE Select); coding-DNA position 4829, G replaced by A.
Protein change: p.Cys1610Tyr; replaces cysteine 1610 with tyrosine.
Molecular consequence: missense variant.
Genome position (GRCh38, 1-based): chr15:48,465,681, C>T on the plus strand (G>A on the coding strand, the complement: FBN1 is on the minus strand). VCF-style: chr15-48465681-C-T. GRCh37 (hg19) VCF-style: chr15-48757878-C-T.
Other names: c.4829G>A, p.Cys1610Tyr (NM_001406716.1); short protein forms C1610Y.
Identifiers: ClinVar variation 3751651 (VCV003751651.2).